The following is an entry in ClinVar:

NM_000428.3(LTBP2):c.1796C>T (p.Pro599Leu)

Gene: LTBP2 (latent transforming growth factor beta binding protein 2; minus strand). Cytogenetic location: 14q24.3.
Variant type: single nucleotide variant.
Coding change: c.1796C>T on transcript NM_000428.3 (MANE Select); coding-DNA position 1796, C replaced by T.
Protein change: p.Pro599Leu; replaces proline 599 with leucine.
Molecular consequence: missense variant.
Genome position (GRCh38, 1-based): chr14:74,535,994, G>A on the plus strand (C>T on the coding strand, the complement: LTBP2 is on the minus strand). VCF-style: chr14-74535994-G-A. GRCh37 (hg19) VCF-style: chr14-75002697-G-A.
Other names: short protein forms P599L.
Identifiers: ClinVar variation 314305 (VCV000314305.15), dbSNP rs139018077, ClinGen allele CA7269760.

ClinVar aggregate classification (germline): Conflicting classifications of pathogenicity. Review status: criteria provided, conflicting classifications (1 of 4 stars). 4 submissions from 3 submitters: Uncertain significance (3); Likely benign (1). Last evaluated 2026-01-19.

Conditions:
Glaucoma 3, primary infantile, B. Also called: GLAUCOMA, PRIMARY CONGENITAL, TYPE B; GLC3 type B; Primary congenital glaucoma type 3B; Glaucoma primary congenita type 3B; GLC3B. Identifiers: Orphanet 98976, MedGen C1832977, MONDO:0010968, OMIM 600975.
Weill-Marchesani syndrome. Also called: WM Syndrome; Mesodermal dysmorphodystrophy congenital. Identifiers: Orphanet 3449, MedGen C0265313, MONDO:0018096.
Glaucoma 3, primary congenital, D. Identifiers: Orphanet 98976, MedGen C2751316, MONDO:0013122, OMIM 613086.

Allele frequency attached by ClinVar (database versions not stated): 1000 Genomes Project 30x 0.00016; 1000 Genomes Project 0.00020; ExAC 0.00063; gnomAD exomes 0.00068; gnomAD 0.00070 and 0.00072; TOPMed 0.00078; ESP Exome Variant Server 0.00108.
gnomAD v4.1: 1,661 of 1,613,928 alleles (0.1%); highest among the groups gnomAD compares: Non-Finnish European, 0.12%; 3 homozygotes.

Submissions (4):

Labcorp Genetics (formerly Invitae), Labcorp
Classification: Likely benign. Last evaluated: 2026-01-19. Review status: criteria provided, single submitter. Criteria: Invitae Variant Classification Sherloc (09022015). Collection method: clinical testing. Allele origin: germline.

Centre for Mendelian Genomics, University Medical Centre Ljubljana
Classification: Uncertain significance for Glaucoma 3, primary infantile, B. Last evaluated: 2020-01-26. Review status: criteria provided, single submitter. Criteria: ACMG Guidelines, 2015. Collection method: clinical testing. Allele origin: unknown. Affected: yes.
Comment: This variant was classified as: Uncertain significance. The following ACMG criteria were applied in classifying this variant: PP3.

Illumina Laboratory Services, Illumina
Classification: Uncertain significance for Weill-Marchesani syndrome. Last evaluated: 2018-01-13. Review status: criteria provided, single submitter. Criteria: ICSL Variant Classification Criteria 13 December 2019. Collection method: clinical testing. Allele origin: germline.

Illumina Laboratory Services, Illumina
Classification: Uncertain significance for Glaucoma 3, primary congenital, D. Last evaluated: 2018-01-13. Review status: criteria provided, single submitter. Criteria: ICSL Variant Classification Criteria 13 December 2019. Collection method: clinical testing. Allele origin: germline.